The following is an entry in ClinVar:

NM_020771.4(HACE1):c.1631T>C (p.Met544Thr)

Gene: HACE1 (HECT domain and ankyrin repeat containing E3 ubiquitin protein ligase 1; minus strand). Cytogenetic location: 6q16.3.
Variant type: single nucleotide variant.
Coding change: c.1631T>C on transcript NM_020771.4 (MANE Select); coding-DNA position 1631, T replaced by C.
Protein change: p.Met544Thr; replaces methionine 544 with threonine.
Molecular consequence: missense variant. On other transcripts: non-coding transcript variant (7).
Genome position (GRCh38, 1-based): chr6:104,777,253, A>G on the plus strand (T>C on the coding strand, the complement: HACE1 is on the minus strand). VCF-style: chr6-104777253-A-G. GRCh37 (hg19) VCF-style: chr6-105225128-A-G.
Other names: c.1499T>C, p.Met500Thr (NM_001321080.2); c.1529T>C, p.Met510Thr (NM_001321083.2); c.1127T>C, p.Met376Thr (NM_001321084.2, NM_001350557.2, NM_001350558.2); c.1397T>C, p.Met466Thr (NM_001350554.2); c.1340T>C, p.Met447Thr (NM_001350555.2); c.1145T>C, p.Met382Thr (NM_001350556.2); c.1049T>C, p.Met350Thr (NM_001350559.2); c.848T>C, p.Met283Thr (NM_001350560.2); and 1 more; short protein forms M382T, M466T, M376T, M544T, M283T, M350T, M510T, M447T.
Identifiers: ClinVar variation 2143912 (VCV002143912.7), dbSNP rs144739682, ClinGen allele CA3940207.
Genomic context (GRCh38, chr6:104,777,253, plus strand): 5'-TTGTTAAGCATACCTCTGTGAACCAGCAGGATATCATTTTCATTCACTGGCCTGTGCACC[A>G]TATCTGAATCTGGCTGTCCTGAATGCAAATGTTCATAGAACCATTCACAGCGATCTTTAA-3'
Protein context (NP_065822.2, residues 534-554): HLHSGQPDSD[Met544Thr]VHRPVNENDI

ClinVar aggregate classification (germline): Uncertain significance. Review status: criteria provided, multiple submitters, no conflicts (2 of 4 stars). 3 submissions from 3 submitters: Uncertain significance (3). Last evaluated 2026-01-07.

Conditions:
Spastic paraplegia-severe developmental delay-epilepsy syndrome. Also called: Spastic paraplegia and psychomotor retardation with or without seizures. Identifiers: Orphanet 464282, MedGen C4225215, MONDO:0014764, OMIM 616756.

Allele frequency attached by ClinVar (database versions not stated): gnomAD exomes 0.00001; ExAC 0.00005; TOPMed 0.00006; gnomAD 0.00007; ESP Exome Variant Server 0.00015; 1000 Genomes Project 30x 0.00016; 1000 Genomes Project 0.00020.
gnomAD v4.1: 27 of 1,613,888 alleles (0.0017%); highest among the groups gnomAD compares: African/African-American, 0.029%; no homozygotes.

Submissions (3):

GeneDx
Classification: Uncertain significance. Last evaluated: 2026-01-07. Review status: criteria provided, single submitter. Criteria: GeneDx Variant Classification Process June 2021. Collection method: clinical testing. Allele origin: germline.
Comment: In silico analysis suggests that this missense variant does not alter protein structure/function; Has not been previously published as pathogenic or benign to our knowledge

ARUP Laboratories, Molecular Genetics and Genomics, ARUP Laboratories
Classification: Uncertain significance for Spastic paraplegia-severe developmental delay-epilepsy syndrome. Last evaluated: 2024-06-28. Review status: criteria provided, single submitter. Criteria: ARUP Molecular Germline Variant Investigation Process 2024. Collection method: clinical testing. Allele origin: germline.

Labcorp Genetics (formerly Invitae), Labcorp
Classification: Uncertain significance. Last evaluated: 2022-10-13. Review status: criteria provided, single submitter. Criteria: Invitae Variant Classification Sherloc (09022015). Collection method: clinical testing. Allele origin: germline.
Comment: In summary, the available evidence is currently insufficient to determine the role of this variant in disease. Therefore, it has been classified as a Variant of Uncertain Significance. Advanced modeling of protein sequence and biophysical properties (such as structural, functional, and spatial information, amino acid conservation, physicochemical variation, residue mobility, and thermodynamic stability) performed at Invitae indicates that this missense variant is not expected to disrupt HACE1 protein function. This variant has not been reported in the literature in individuals affected with HACE1-related conditions. This variant is present in population databases (rs144739682, gnomAD 0.02%). This sequence change replaces methionine, which is neutral and non-polar, with threonine, which is neutral and polar, at codon 544 of the HACE1 protein (p.Met544Thr).